The following is an entry in ClinVar:

ClinVar aggregate classification (germline): Pathogenic. Review status: criteria provided, multiple submitters, no conflicts (2 of 4 stars). 2 submissions from 2 submitters: Pathogenic (2). Last evaluated 2025-11-17.

Conditions:
Lynch syndrome 5 (LYNCH5). Also called: Hereditary non-polyposis colorectal cancer, type 5; Colorectal cancer, hereditary nonpolyposis, type 5. Identifiers: Orphanet 144, MedGen C1833477, MONDO:0013710, OMIM 614350. Disease mechanism: loss of function.
Hereditary nonpolyposis colorectal neoplasms. Identifiers: MedGen C0009405, MeSH D003123.

Submissions (2):

Labcorp Genetics (formerly Invitae), Labcorp
Classification: Pathogenic for Hereditary nonpolyposis colorectal neoplasms. Last evaluated: 2025-11-17. Review status: criteria provided, single submitter. Criteria: Invitae Variant Classification Sherloc (09022015). Collection method: clinical testing. Allele origin: germline.
Comment: This sequence change creates a premature translational stop signal (p.Pro1110Leufs*5) in the MSH6 gene. It is expected to result in an absent or disrupted protein product. Loss-of-function variants in MSH6 are known to be pathogenic (PMID: 18269114, 24362816). This variant is not present in population databases (gnomAD no frequency). This variant has not been reported in the literature in individuals affected with MSH6-related conditions. ClinVar contains an entry for this variant (Variation ID: 2673678). For these reasons, this variant has been classified as Pathogenic.

Myriad Genetics, Inc.
Classification: Pathogenic for Lynch syndrome 5. Last evaluated: 2023-08-22. Review status: criteria provided, single submitter. Criteria: Myriad Autosomal Dominant, Autosomal Recessive and X-Linked Classification Criteria (2023). Collection method: clinical testing. Allele origin: unknown.
Comment: This variant is considered pathogenic. This variant creates a frameshift predicted to result in premature protein truncation.

Literature cited by the submitters: PubMed 18269114 (cited by Labcorp Genetics (formerly Invitae), Labcorp); PubMed 24362816 (cited by Labcorp Genetics (formerly Invitae), Labcorp).

NM_000179.3(MSH6):c.3329del (p.Pro1110fs)

Gene: MSH6 (mutS homolog 6; plus strand). Cytogenetic location: 2p16.3.
Variant type: Deletion.
Coding change: c.3329del on transcript NM_000179.3 (MANE Select); coding-DNA position 3329, one base deleted (C; older notation c.3329delC).
Protein change: p.Pro1110fs; shifts the reading frame from proline 1110.
Molecular consequence: frameshift variant. On other transcripts: non-coding transcript variant (5), intron variant (1).
Genome position (GRCh38, 1-based): chr2:47,803,576, C deleted; the last of 2 consecutive C bases (chr2:47,803,575-47,803,576); deleting either gives the same sequence. VCF-style (leftmost placement, unchanged base first): chr2-47803574-TC-T. GRCh37 (hg19) VCF-style: chr2-48030713-TC-T.
Other names: c.2939del, p.Pro980fs (NM_001281492.2); c.2423del, p.Pro808fs (NM_001281493.2, NM_001281494.2, NM_001406811.1 and 6 more transcripts); c.3425del, p.Pro1142fs (NM_001406795.1, NM_001406802.1); c.3329del, p.Pro1110fs (NM_001406796.1, NM_001406800.1, NM_001406808.1 and 1 more transcripts); c.3032del, p.Pro1011fs (NM_001406797.1, NM_001406801.1, NM_001406805.1 and 10 more transcripts); c.2804del, p.Pro935fs (NM_001406799.1, NM_001406806.1, NM_001406807.1); c.2465del, p.Pro822fs (NM_001406803.1); c.3251del, p.Pro1084fs (NM_001406804.1); and 7 more; short protein forms P1011fs, P1054fs, P1084fs, P1110fs, P1112fs, P1142fs, P37fs, P425fs.
Identifiers: ClinVar variation 2673678 (VCV002673678.4), dbSNP rs2530768791, ClinGen allele CA2695200541.